The following is an entry in ClinVar:

ClinVar aggregate classification (germline): Uncertain significance (1 of 4 stars; one submission).

Conditions:
Neuronal ceroid lipofuscinosis. Also called: Neuronal Ceroid Lipofuscinoses. Identifiers: Orphanet 216, Orphanet 79263, MedGen C0027877, MONDO:0016295. Disease mechanism: loss of function.

Submission:

Labcorp Genetics (formerly Invitae), Labcorp
Classification: Uncertain significance for Neuronal ceroid lipofuscinosis. Last evaluated: 2021-08-31. Review status: criteria provided, single submitter. Criteria: Invitae Variant Classification Sherloc (09022015). Collection method: clinical testing. Allele origin: germline.
Comment: This sequence change replaces threonine with serine at codon 155 of the CTSD protein (p.Thr155Ser). The threonine residue is highly conserved and there is a small physicochemical difference between threonine and serine. This variant is not present in population databases (ExAC no frequency). This variant has not been reported in the literature in individuals affected with CTSD-related conditions. Algorithms developed to predict the effect of missense changes on protein structure and function (SIFT, PolyPhen-2, Align-GVGD) all suggest that this variant is likely to be tolerated. In summary, the available evidence is currently insufficient to determine the role of this variant in disease. Therefore, it has been classified as a Variant of Uncertain Significance.

NM_001909.5(CTSD):c.463A>T (p.Thr155Ser)

Gene: CTSD (cathepsin D; minus strand). Cytogenetic location: 11p15.5.
Variant type: single nucleotide variant.
Coding change: c.463A>T on transcript NM_001909.5 (MANE Select); coding-DNA position 463, A replaced by T.
Protein change: p.Thr155Ser; replaces threonine 155 with serine.
Molecular consequence: missense variant.
Genome position (GRCh38, 1-based): chr11:1,758,977, T>A on the plus strand (A>T on the coding strand, the complement: CTSD is on the minus strand). VCF-style: chr11-1758977-T-A. GRCh37 (hg19) VCF-style: chr11-1780207-T-A.
Other names: short protein forms T155S.
Identifiers: ClinVar variation 854400 (VCV000854400.7), dbSNP rs764778708, ClinGen allele CA379097190.